The following is an entry in ClinVar:

ClinVar aggregate classification (germline): Likely benign (1 of 4 stars; one submission).

Allele frequency attached by ClinVar (database versions not stated): gnomAD exomes below 0.00001.
gnomAD v4.1: 1 of 1,612,804 alleles (0.000062%); highest among the groups gnomAD compares: Non-Finnish European, 0.000085%; no homozygotes.

Submission:

CeGaT Center for Human Genetics Tuebingen
Classification: Likely benign. Last evaluated: 2022-07-01. Review status: criteria provided, single submitter. Criteria: CeGaT Center For Human Genetics Tuebingen Variant Classification Criteria Version 2. Collection method: clinical testing. Allele origin: germline. Affected: yes. Observed: 1 variant allele.
Comment: PPL: PM2:Supporting, BP4, BP7

NM_002705.5(PPL):c.4344G>A (p.Val1448=)

Genes: PPL (periplakin; minus strand), LOC129390757 (MPRA-validated peak2474 silencer; plus strand). Cytogenetic location: 16p13.3.
Variant type: single nucleotide variant.
Coding change: c.4344G>A on transcript NM_002705.5 (MANE Select); coding-DNA position 4344, G replaced by A.
Protein change: p.Val1448=; no amino-acid change (valine 1448 retained).
Molecular consequence: synonymous variant.
Genome position (GRCh38, 1-based): chr16:4,884,311, C>T on the plus strand (G>A on the coding strand, the complement: PPL is on the minus strand). VCF-style: chr16-4884311-C-T. GRCh37 (hg19) VCF-style: chr16-4934312-C-T.
Identifiers: ClinVar variation 2646164 (VCV002646164.24), dbSNP rs1794893317, ClinGen allele CA493406746.
Genomic context (GRCh38, chr16:4,884,311, plus strand): 5'-TTCTTCCAGCTGGAGTCGGAGCAGGGCATGCTCTCGCGCCTGCTGCGGGTCCTGCTGCAG[C>T]ACCACCTTCTGCGTATGGGTTACCTTCTCACGGGCCTCAGCTTCTTCCTGCTCCAGCGCT-3'
Protein context (NP_002696.4, residues 1438-1458): REKVTHTQKV[Val1448=]LQQDPQQARE